The following is an entry in ClinVar:

NM_000020.3(ACVRL1):c.*423C>T

Gene: ACVRL1 (activin A receptor like type 1; plus strand). Cytogenetic location: 12q13.13.
Variant type: single nucleotide variant.
Coding change: c.*423C>T on transcript NM_000020.3 (MANE Select); 423 bases downstream of the stop codon, C replaced by T.
Molecular consequence: 3 prime UTR variant.
Genome position (GRCh38, 1-based): chr12:51,921,316, C>T. VCF-style: chr12-51921316-C-T. GRCh37 (hg19) VCF-style: chr12-52315100-C-T.
Other names: c.*423C>T (NM_001077401.2).
Identifiers: ClinVar variation 309452 (VCV000309452.5), dbSNP rs114741844, ClinGen allele CA10642700.

ClinVar aggregate classification (germline): Benign (1 of 4 stars; one submission).

Conditions:
Telangiectasia, hereditary hemorrhagic, type 2 (HHT2). Also called: ACVRL1-Related Hereditary Hemorrhagic Telangiectasia; Telangiectasia, hereditary hemorrhagic, type II. Identifiers: Orphanet 774, MedGen C1838163, MONDO:0010880, OMIM 600376. Disease mechanism: loss of function.

Allele frequency attached by ClinVar (database versions not stated): gnomAD exomes 0.00076; gnomAD 0.00553 and 0.00592; TOPMed 0.00617; 1000 Genomes Project 0.00659; 1000 Genomes Project 30x 0.00718.
gnomAD v4.1: 944 of 294,580 alleles (0.32%); highest among the groups gnomAD compares: African/African-American, 1.9%; 15 homozygotes.

Submission:

Illumina Laboratory Services, Illumina
Classification: Benign for Telangiectasia, hereditary hemorrhagic, type 2. Last evaluated: 2018-01-12. Review status: criteria provided, single submitter. Criteria: ICSL Variant Classification Criteria 13 December 2019. Collection method: clinical testing. Allele origin: germline.
Comment: This variant was observed in the ICSL laboratory as part of a predisposition screen in an ostensibly healthy population. It had not been previously curated by ICSL or reported in the Human Gene Mutation Database (HGMD: prior to June 1st, 2018), and was therefore a candidate for classification through an automated scoring system. Utilizing variant allele frequency, disease prevalence and penetrance estimates, and inheritance mode, an automated score was calculated to assess if this variant is too frequent to cause the disease. Based on the score and internal cut-off values, a variant classified as benign is not then subjected to further curation. The score for this variant resulted in a classification of benign for this disease.